The following is an entry in ClinVar:

NM_032108.4(SEMA6B):c.2125A>G (p.Thr709Ala)

Gene: SEMA6B (semaphorin 6B; minus strand). Cytogenetic location: 19p13.3.
Variant type: single nucleotide variant.
Coding change: c.2125A>G on transcript NM_032108.4 (MANE Select); coding-DNA position 2125, A replaced by G.
Protein change: p.Thr709Ala; replaces threonine 709 with alanine.
Molecular consequence: missense variant.
Genome position (GRCh38, 1-based): chr19:4,544,143, T>C on the plus strand (A>G on the coding strand, the complement: SEMA6B is on the minus strand). VCF-style: chr19-4544143-T-C. GRCh37 (hg19) VCF-style: chr19-4544155-T-C.
Other names: short protein forms T709A.
Identifiers: ClinVar variation 1066363 (VCV001066363.9), dbSNP rs2145342359, ClinGen allele CA403461177.

ClinVar aggregate classification (germline): Likely pathogenic (1 of 4 stars; one submission).

Submission:

Labcorp Genetics (formerly Invitae), Labcorp
Classification: Likely pathogenic. Last evaluated: 2020-08-25. Review status: criteria provided, single submitter. Criteria: Invitae Variant Classification Sherloc (09022015). Collection method: clinical testing. Allele origin: germline.
Comment: In summary, the currently available evidence indicates that the variant is pathogenic, but additional data are needed to prove that conclusively. Therefore, this variant has been classified as Likely Pathogenic. Algorithms developed to predict the effect of missense changes on protein structure and function are either unavailable or do not agree on the potential impact of this missense change (SIFT: "Tolerated"; PolyPhen-2: "Probably Damaging"; Align-GVGD: "Class C0"). This variant has been observed in individual(s) with clinical features of progressive myoclonic epilepsy (Invitae). In at least one individual the variant was observed to be de novo. The frequency data for this variant in the population databases is considered unreliable, as metrics indicate insufficient coverage at this position in the ExAC database. This sequence change replaces threonine with alanine at codon 709 of the SEMA6B protein (p.Thr709Ala). The threonine residue is weakly conserved and there is a small physicochemical difference between threonine and alanine.